The following is an entry in ClinVar:

ClinVar aggregate classification (germline): Likely benign. Review status: criteria provided, multiple submitters, no conflicts (2 of 4 stars). 2 submissions from 2 submitters: Likely benign (2). Last evaluated 2024-03-27.

Conditions:
Amyotrophic lateral sclerosis type 21. Also called: VOCAL CORD AND PHARYNGEAL DYSFUNCTION WITH DISTAL MYOPATHY; MYOPATHY, DISTAL, 2. Identifiers: Orphanet 600, Orphanet 803, MedGen C3807521, MONDO:0011632, OMIM 606070.

Allele frequency attached by ClinVar (database versions not stated): gnomAD exomes 0.00001; TOPMed 0.00001; ExAC 0.00002; gnomAD 0.00002; 1000 Genomes Project 30x 0.00047; 1000 Genomes Project 0.00060.
gnomAD v4.1: 22 of 1,613,846 alleles (0.0014%); highest among the groups gnomAD compares: African/African-American, 0.024%; no homozygotes.

Submissions (2):

Labcorp Genetics (formerly Invitae), Labcorp
Classification: Likely benign for Amyotrophic lateral sclerosis type 21. Last evaluated: 2024-03-27. Review status: criteria provided, single submitter. Criteria: Invitae Variant Classification Sherloc (09022015). Collection method: clinical testing. Allele origin: germline.

Illumina Laboratory Services, Illumina
Classification: Likely benign for Amyotrophic lateral sclerosis type 21. Last evaluated: 2017-04-27. Review status: criteria provided, single submitter. Criteria: ICSL Variant Classification Criteria 13 December 2019. Collection method: clinical testing. Allele origin: germline.
Comment: This variant was observed as part of a predisposition screen in an ostensibly healthy population. A literature search was performed for the gene, cDNA change, and amino acid change (where applicable). No publications were found based on this search. Allele frequency data from public databases allowed determination this variant is unlikely to cause disease. Therefore, this variant is classified as likely benign.

NM_018834.6(MATR3):c.15C>T (p.Phe5=)

Gene: MATR3 (matrin 3; plus strand). Cytogenetic location: 5q31.2.
Variant type: single nucleotide variant.
Coding change: c.15C>T on transcript NM_018834.6 (MANE Select); coding-DNA position 15, C replaced by T.
Protein change: p.Phe5=; no amino-acid change (phenylalanine 5 retained).
Molecular consequence: synonymous variant. On other transcripts: intron variant (2).
Genome position (GRCh38, 1-based): chr5:139,307,430, C>T. VCF-style: chr5-139307430-C-T. GRCh37 (hg19) VCF-style: chr5-138643119-C-T.
Other names: c.15C>T, p.Phe5= (NM_001194954.2, NM_001194955.2, NM_199189.3); c.-102-7245C>T (NM_001282278.2); c.49-7245C>T (NM_001194956.2).
Identifiers: ClinVar variation 351120 (VCV000351120.15), dbSNP rs184609870, ClinGen allele CA3432862.